The following is an entry in ClinVar:

ClinVar aggregate classification (germline): Uncertain significance. Review status: criteria provided, multiple submitters, no conflicts (2 of 4 stars). 2 submissions from 2 submitters: Uncertain significance (2). Last evaluated 2025-04-24.

Conditions:
MYH9-related disorder. Identifiers: MedGen C1854520.

Allele frequency attached by ClinVar (database versions not stated): gnomAD exomes below 0.00001; TOPMed 0.00001.

Submissions (2):

Labcorp Genetics (formerly Invitae), Labcorp
Classification: Uncertain significance. Last evaluated: 2025-04-24. Review status: criteria provided, single submitter. Criteria: Invitae Variant Classification Sherloc (09022015). Collection method: clinical testing. Allele origin: germline.
Comment: This sequence change replaces methionine, which is neutral and non-polar, with valine, which is neutral and non-polar, at codon 1678 of the MYH9 protein (p.Met1678Val). This variant is not present in population databases (gnomAD no frequency). This missense change has been observed in individual(s) with MYH9-related disorders (PMID: 31562665). ClinVar contains an entry for this variant (Variation ID: 623103). Invitae Evidence Modeling of protein sequence and biophysical properties (such as structural, functional, and spatial information, amino acid conservation, physicochemical variation, residue mobility, and thermodynamic stability) indicates that this missense variant is not expected to disrupt MYH9 protein function with a negative predictive value of 95%. In summary, the available evidence is currently insufficient to determine the role of this variant in disease. Therefore, it has been classified as a Variant of Uncertain Significance.

NIHR Bioresource Rare Diseases, University of Cambridge
Classification: Uncertain significance for MYH9-related disorder. Last evaluated: 2018-12-12. Review status: criteria provided, single submitter. Criteria: ACMG Guidelines, 2015. Collection method: research. Allele origin: unknown. Inheritance: Autosomal dominant inheritance. Affected: yes. Observed: 1 heterozygote.
Comment: PM2

Literature cited by the submitters: PubMed 31562665 (cited by Labcorp Genetics (formerly Invitae), Labcorp).

NM_002473.6(MYH9):c.5032A>G (p.Met1678Val)

Gene: MYH9 (myosin heavy chain 9; minus strand). Cytogenetic location: 22q12.3.
Variant type: single nucleotide variant.
Coding change: c.5032A>G on transcript NM_002473.6 (MANE Select); coding-DNA position 5032, A replaced by G.
Protein change: p.Met1678Val; replaces methionine 1678 with valine.
Molecular consequence: missense variant.
Genome position (GRCh38, 1-based): chr22:36,286,747, T>C on the plus strand (A>G on the coding strand, the complement: MYH9 is on the minus strand). VCF-style: chr22-36286747-T-C. GRCh37 (hg19) VCF-style: chr22-36682793-T-C.
Other names: short protein forms M1678V.
Identifiers: ClinVar variation 623103 (VCV000623103.4), dbSNP rs901232499, ClinGen allele CA411374424.
Genomic context (GRCh38, chr22:36,286,747, plus strand): 5'-CGGTGCCGCTCTCCATTGCAGCCCCACCCACCTCCTGCAACTGGATCATCTCGGCCTCCA[T>C]GCTCTTCAGCTTCTTCTCGTTCTCTTTGGCCTGGGCCAGGATCTCCTCACGAGAGGCGCG-3'
Protein context (NP_002464.1, residues 1668-1688): AKENEKKLKS[Met1678Val]EAEMIQLQEE